The following is an entry in ClinVar:

ClinVar aggregate classification (germline): Uncertain significance (1 of 4 stars; one submission).

Conditions:
Hypertrophic cardiomyopathy. Also called: HYPERTROPHIC MYOCARDIOPATHY. Identifiers: Orphanet 217569, MedGen C0007194, MeSH D002312, MONDO:0005045, HP:0001639.

Submission:

Labcorp Genetics (formerly Invitae), Labcorp
Classification: Uncertain significance for Hypertrophic cardiomyopathy. Last evaluated: 2022-06-24. Review status: criteria provided, single submitter. Criteria: Invitae Variant Classification Sherloc (09022015). Collection method: clinical testing. Allele origin: germline.
Comment: This variant has not been reported in the literature in individuals affected with MYOM1-related conditions. In summary, the available evidence is currently insufficient to determine the role of this variant in disease. Therefore, it has been classified as a Variant of Uncertain Significance. Experimental studies and prediction algorithms are not available or were not evaluated, and the functional significance of this variant is currently unknown. This variant is a gross deletion of the genomic region encompassing exon(s) 21-22 of the MYOM1 gene. This variant would be expected to be in-frame, preserving the integrity of the reading frame.

NC_000018.9:g.(?_3112276)_(3116533_?)del

Gene: MYOM1 (myomesin 1; minus strand). Cytogenetic location: 18p11.31.
Variant type: Deletion.
Identifiers: ClinVar variation 2424761 (VCV002424761.4).